The following is an entry in ClinVar:

ClinVar aggregate classification (germline): Benign. Review status: criteria provided, single submitter (1 of 4 stars). 2 submissions from 2 submitters: Benign (1). 1 of the submissions does not count toward it. Last evaluated 2020-01-30.

Conditions:
MYT1L-related disorder. Also called: MYT1L-related condition.

Allele frequency attached by ClinVar (database versions not stated): gnomAD exomes 0.00002 and 0.00008; ExAC 0.00011; gnomAD 0.00029 and 0.00030; 1000 Genomes Project 30x 0.00031; TOPMed 0.00032; 1000 Genomes Project 0.00040; ESP Exome Variant Server 0.00040.
gnomAD v4.1: 76 of 1,587,006 alleles (0.0048%); highest among the groups gnomAD compares: African/African-American, 0.081%; no homozygotes.

Submissions (2):

GeneDx
Classification: Benign. Last evaluated: 2020-01-30. Review status: criteria provided, single submitter. Criteria: GeneDx Variant Classification Process June 2021. Collection method: clinical testing. Allele origin: germline. Affected: yes.

PreventionGenetics, part of Exact Sciences
Classification: Likely benign for MYT1L-related condition. Last evaluated: 2019-11-06. Review status: no assertion criteria provided. Collection method: clinical testing. Allele origin: germline. Not counted in ClinVar's aggregate classification.
Comment: This variant is classified as likely benign based on ACMG/AMP sequence variant interpretation guidelines (Richards et al. 2015 PMID: 25741868, with internal and published modifications).

NM_001303052.2(MYT1L):c.2284-6C>T

Gene: MYT1L (myelin transcription factor 1 like; minus strand). Cytogenetic location: 2p25.3.
Variant type: single nucleotide variant.
Coding change: c.2284-6C>T on transcript NM_001303052.2 (MANE Select); 6 bases into the intron before coding-DNA position 2284, C replaced by T.
Molecular consequence: intron variant.
Genome position (GRCh38, 1-based): chr2:1,889,483, G>A on the plus strand (C>T on the coding strand, the complement: MYT1L is on the minus strand). VCF-style: chr2-1889483-G-A. GRCh37 (hg19) VCF-style: chr2-1893255-G-A.
Other names: c.2278-6C>T (NM_015025.4, NM_001329847.2, NM_001329848.1 and 3 more transcripts); c.2284-6C>T (NM_001329844.2, NM_001329845.1, NM_001329851.3 and 1 more transcripts).
Identifiers: ClinVar variation 1274376 (VCV001274376.3), dbSNP rs201483154, ClinGen allele CA1514060.
Genomic context (GRCh38, chr2:1,889,483, plus strand): 5'-GCTTGTTCATGCTGAGGTCCAGGGTCCCGTTCTCATCCACCTCCATGTCAGGGTTCTGTC[G>A]GTAGAAAGACATAGTGACTGTGCTTGGCCCGGCATCTTGTGACACCACGAGTCCTTCCTC-3'